The following is an entry in ClinVar:

ClinVar aggregate classification (germline): Uncertain significance. Review status: criteria provided, multiple submitters, no conflicts (2 of 4 stars). 2 submissions from 2 submitters: Uncertain significance (2). Last evaluated 2024-12-23.

Conditions:
Osteogenesis imperfecta type 8 (OI8). Identifiers: MedGen C1970458, MONDO:0012581, OMIM 610915.
Inborn genetic diseases. Identifiers: MedGen C0950123, MeSH D030342.

Allele frequency attached by ClinVar (database versions not stated): gnomAD 0.00003; gnomAD exomes 0.00003; TOPMed 0.00005; ExAC 0.00006; ESP Exome Variant Server 0.00023.
gnomAD v4.1: 80 of 1,613,896 alleles (0.005%); highest among the groups gnomAD compares: Non-Finnish European, 0.006%; no homozygotes.

Submissions (2):

Labcorp Genetics (formerly Invitae), Labcorp
Classification: Uncertain significance for Osteogenesis imperfecta type 8. Last evaluated: 2024-12-23. Review status: criteria provided, single submitter. Criteria: Invitae Variant Classification Sherloc (09022015). Collection method: clinical testing. Allele origin: germline.
Comment: This sequence change replaces arginine, which is basic and polar, with glutamine, which is neutral and polar, at codon 210 of the P3H1 protein (p.Arg210Gln). This variant is present in population databases (rs373561725, gnomAD 0.005%). This variant has not been reported in the literature in individuals affected with P3H1-related conditions. ClinVar contains an entry for this variant (Variation ID: 1465408). Invitae Evidence Modeling of protein sequence and biophysical properties (such as structural, functional, and spatial information, amino acid conservation, physicochemical variation, residue mobility, and thermodynamic stability) indicates that this missense variant is not expected to disrupt P3H1 protein function with a negative predictive value of 80%. In summary, the available evidence is currently insufficient to determine the role of this variant in disease. Therefore, it has been classified as a Variant of Uncertain Significance.

Ambry Genetics
Classification: Uncertain significance for Inborn genetic diseases. Last evaluated: 2023-11-20. Review status: criteria provided, single submitter. Criteria: Ambry Variant Classification Scheme 2023. Collection method: clinical testing. Allele origin: germline.

NM_022356.4(P3H1):c.629G>A (p.Arg210Gln)

Gene: P3H1 (prolyl 3-hydroxylase 1; minus strand). Cytogenetic location: 1p34.2.
Variant type: single nucleotide variant.
Coding change: c.629G>A on transcript NM_022356.4 (MANE Select); coding-DNA position 629, G replaced by A.
Protein change: p.Arg210Gln; replaces arginine 210 with glutamine.
Molecular consequence: missense variant.
Genome position (GRCh38, 1-based): chr1:42,759,380, C>T on the plus strand (G>A on the coding strand, the complement: P3H1 is on the minus strand). VCF-style: chr1-42759380-C-T. GRCh37 (hg19) VCF-style: chr1-43225051-C-T.
Other names: c.629G>A (NM_022356.3); c.629G>A, p.Arg210Gln (NM_001146289.2, NM_001243246.2); short protein forms R210Q.
Identifiers: ClinVar variation 1465408 (VCV001465408.6), dbSNP rs373561725, ClinGen allele CA802107.
Genomic context (GRCh38, chr1:42,759,380, plus strand): 5'-GCCTCTAGGTGGGGCACAGCTTCCTGTGGCTGTTCCTCTGAGTAGAGTCGCACTCCCAGT[C>T]GAAATTCTTGCTACTGGGAAGAAGGAGCACTCAAATGCAGGCCACAGAGGAGGAACCCTC-3'
Protein context (NP_071751.3, residues 200-220): LETQPHMQEF[Arg210Gln]LGVRLYSEEQ